The following is an entry in ClinVar:

NM_004595.5(SMS):c.506A>G (p.Asn169Ser)

Gene: SMS (spermine synthase; plus strand). Cytogenetic location: Xp22.11.
Variant type: single nucleotide variant.
Coding change: c.506A>G on transcript NM_004595.5 (MANE Select); coding-DNA position 506, A replaced by G.
Protein change: p.Asn169Ser; replaces asparagine 169 with serine.
Molecular consequence: missense variant.
Genome position (GRCh38, 1-based): chrX:21,977,960, A>G. VCF-style: chrX-21977960-A-G. GRCh37 (hg19) VCF-style: chrX-21996078-A-G.
Other names: c.347A>G, p.Asn116Ser (NM_001258423.2); short protein forms N116S, N169S.
Identifiers: ClinVar variation 4854175 (VCV004854175.1).
Genomic context (GRCh38, chrX:21,977,960, plus strand): 5'-GGGCCAGGTGGTTTGTGTGTTAAGGTAGACTCACCATTTGGATCTGTTTCTCCTCCCTAG[A>G]TTTGGCAGAGAGTGATTTGGCATATACCCGGGCCATCATGGGCAGTGGCAAAGAAGATTA-3'
Protein context (NP_004586.2, residues 159-179): GNILILSGDV[Asn169Ser]LAESDLAYTR

ClinVar aggregate classification (germline): Uncertain significance (1 of 4 stars; one submission).

Conditions:
Intellectual developmental disorder, X-linked, syndromic, Snyder-Robinson type. Also called: X-linked mental retardation Snyder - Robinson type; SNYDER-ROBINSON MENTAL RETARDATION SYNDROME; Spermine synthase deficiency; Syndromic X-linked intellectual disability Snyder type. Identifiers: Orphanet 3063, MedGen C0796160, MONDO:0010664, OMIM 309583.

Submission:

3billion
Classification: Uncertain significance for Intellectual developmental disorder, X-linked, syndromic, Snyder-Robinson type. Last evaluated: 2025-05-22. Review status: criteria provided, single submitter. Criteria: ACMG Guidelines, 2015. Collection method: clinical testing. Allele origin: germline. Affected: yes.
Comment: The variant is not observed in the gnomAD v4.1.0 dataset. Predicted Consequence/Location: Missense variant. Missense changes are a common disease-causing mechanism. In silico tool predictions suggest damaging effect of the variant on gene or gene product [REVEL: 0.74 (>=0.6, sensitivity 0.68 and specificity 0.92); 3Cnet: 0.99 (> 0.75, sensitivity 0.96 and precision 0.92)]. Different missense changes at the same codon have been reported as of uncertain significance (ClinVar ID: VCV001496878). Therefore, this variant is classified as VUS according to the recommendation of ACMG/AMP guideline.